The following is an entry in ClinVar:

ClinVar aggregate classification (germline): Likely benign (1 of 4 stars; one submission).

Conditions:
TCEAL1-related condition.

gnomAD v4.1: 149 of 1,164,847 alleles (0.013%); highest among the groups gnomAD compares: East Asian, 0.45%; 1 homozygote.

Submission:

PreventionGenetics, part of Exact Sciences
Classification: Likely benign for TCEAL1-related condition. Last evaluated: 2026-02-11. Review status: criteria provided, single submitter. Criteria: ACMG Guidelines, 2015. Collection method: clinical testing. Allele origin: germline.
Comment: This variant is classified as likely benign based on ACMG/AMP sequence variant interpretation guidelines (Richards et al. 2015 PMID: 25741868, with internal and published modifications).

NM_004780.3(TCEAL1):c.*8G>C

Gene: TCEAL1 (transcription elongation factor A like 1; plus strand). Cytogenetic location: Xq22.2.
Variant type: single nucleotide variant.
Coding change: c.*8G>C on transcript NM_004780.3 (MANE Select); 8 bases downstream of the stop codon, G replaced by C.
Molecular consequence: 3 prime UTR variant.
Genome position (GRCh38, 1-based): chrX:103,630,404, G>C. VCF-style: chrX-103630404-G-C. GRCh37 (hg19) VCF-style: chrX-102885332-G-C.
Other names: c.*8G>C (NM_001006639.2, NM_001006640.2).
Identifiers: ClinVar variation 4983176 (VCV004983176.1).